The following is an entry in ClinVar:

ClinVar aggregate classification (germline): Uncertain significance (1 of 4 stars; one submission).

Allele frequency attached by ClinVar (database versions not stated): gnomAD exomes below 0.00001; gnomAD 0.00001; 1000 Genomes Project 30x 0.00016; 1000 Genomes Project 0.00020.
gnomAD v4.1: 8 of 1,549,216 alleles (0.00052%); highest among the groups gnomAD compares: Middle Eastern, 0.017%; no homozygotes.

Submission:

CeGaT Center for Human Genetics Tuebingen
Classification: Uncertain significance. Last evaluated: 2023-08-01. Review status: criteria provided, single submitter. Criteria: CeGaT Center For Human Genetics Tuebingen Variant Classification Criteria Version 2. Collection method: clinical testing. Allele origin: germline. Affected: yes. Observed: 1 variant allele.
Comment: PTPRQ: PM2

NM_001145026.2(PTPRQ):c.6349C>A (p.Pro2117Thr)

Gene: PTPRQ (protein tyrosine phosphatase receptor type Q; plus strand). Cytogenetic location: 12q21.31.
Variant type: single nucleotide variant.
Coding change: c.6349C>A on transcript NM_001145026.2 (MANE Select); coding-DNA position 6349, C replaced by A.
Protein change: p.Pro2117Thr; replaces proline 2117 with threonine.
Molecular consequence: missense variant.
Genome position (GRCh38, 1-based): chr12:80,669,360, C>A. VCF-style: chr12-80669360-C-A. GRCh37 (hg19) VCF-style: chr12-81063139-C-A.
Other names: short protein forms P2117T.
Identifiers: ClinVar variation 2643195 (VCV002643195.24), dbSNP rs190091459, ClinGen allele CA240619046.